The following is an entry in ClinVar:

ClinVar aggregate classification (germline): Uncertain significance. Review status: criteria provided, multiple submitters, no conflicts (2 of 4 stars). 3 submissions from 3 submitters: Uncertain significance (3). Last evaluated 2025-02-22.

Conditions:
Inborn genetic diseases. Identifiers: MedGen C0950123, MeSH D030342.

Allele frequency attached by ClinVar (database versions not stated): gnomAD 0.00001; gnomAD exomes 0.00001 and 0.00002; TOPMed 0.00001; ExAC 0.00005.
gnomAD v4.1: 14 of 1,582,304 alleles (0.00088%); highest among the groups gnomAD compares: South Asian, 0.0011%; no homozygotes.

Submissions (3):

Ambry Genetics
Classification: Uncertain significance for Inborn genetic diseases. Last evaluated: 2025-02-22. Review status: criteria provided, single submitter. Criteria: Ambry Variant Classification Scheme 2023. Collection method: clinical testing. Allele origin: germline.

Labcorp Genetics (formerly Invitae), Labcorp
Classification: Uncertain significance. Last evaluated: 2023-03-02. Review status: criteria provided, single submitter. Criteria: Invitae Variant Classification Sherloc (09022015). Collection method: clinical testing. Allele origin: germline.
Comment: In summary, the available evidence is currently insufficient to determine the role of this variant in disease. Therefore, it has been classified as a Variant of Uncertain Significance. Advanced modeling of protein sequence and biophysical properties (such as structural, functional, and spatial information, amino acid conservation, physicochemical variation, residue mobility, and thermodynamic stability) performed at Invitae indicates that this missense variant is not expected to disrupt AUTS2 protein function. ClinVar contains an entry for this variant (Variation ID: 1319751). This variant has not been reported in the literature in individuals affected with AUTS2-related conditions. The frequency data for this variant in the population databases is considered unreliable, as metrics indicate poor data quality at this position in the gnomAD database. This sequence change replaces proline, which is neutral and non-polar, with leucine, which is neutral and non-polar, at codon 940 of the AUTS2 protein (p.Pro940Leu).

Institute for Clinical Genetics, University Hospital TU Dresden, University Hospital TU Dresden
Classification: Uncertain significance. Last evaluated: 2021-11-03. Review status: criteria provided, single submitter. Criteria: ACMG Guidelines, 2015. Collection method: clinical testing. Allele origin: germline.

NM_015570.4(AUTS2):c.2819C>T (p.Pro940Leu)

Gene: AUTS2 (activator of transcription and developmental regulator AUTS2; plus strand). Cytogenetic location: 7q11.22.
Variant type: single nucleotide variant.
Coding change: c.2819C>T on transcript NM_015570.4 (MANE Select); coding-DNA position 2819, C replaced by T.
Protein change: p.Pro940Leu; replaces proline 940 with leucine.
Molecular consequence: missense variant.
Genome position (GRCh38, 1-based): chr7:70,790,035, C>T. VCF-style: chr7-70790035-C-T. GRCh37 (hg19) VCF-style: chr7-70255021-C-T.
Other names: c.2747C>T, p.Pro916Leu (NM_001127231.3); short protein forms P916L, P940L.
Identifiers: ClinVar variation 1319751 (VCV001319751.7), dbSNP rs764683823, ClinGen allele CA4281193.
Genomic context (GRCh38, chr7:70,790,035, plus strand): 5'-ACGGGCACGGCCACGAGGGGCGCGCCGCGGGCGAAGAGGCCAAGCAGCTGGCCCGGGTGC[C>T]GTCTCCCTACGTGCGGACCCCGGTGGTGGAGAGTGCCAGGCCCAACAGCACCTCGAGCCG-3'
Protein context (NP_056385.1, residues 930-950): GEEAKQLARV[Pro940Leu]SPYVRTPVVE